The following is an entry in ClinVar:

ClinVar aggregate classification (germline): Uncertain significance. Review status: criteria provided, multiple submitters, no conflicts (2 of 4 stars). 6 submissions from 6 submitters: Uncertain significance (5). 1 of the submissions does not count toward it. Last evaluated 2024-09-15.

Conditions:
Usher syndrome type 1F (USH1F). Also called: USHER SYNDROME, TYPE IF. Identifiers: Orphanet 231169, Orphanet 886, MedGen C1865885, MONDO:0011186, OMIM 602083.
Usher syndrome type 1 (USH1). Also called: RETINITIS PIGMENTOSA AND CONGENITAL DEAFNESS. Identifiers: Orphanet 231169, Orphanet 886, MedGen C1568247, MONDO:0010168, OMIM 276900.
Inborn genetic diseases. Identifiers: MedGen C0950123, MeSH D030342.

Allele frequency attached by ClinVar (database versions not stated): gnomAD 0.00006 and 0.00007; gnomAD exomes 0.00006; TOPMed 0.00007; ExAC 0.00010.
gnomAD v4.1: 72 of 1,613,264 alleles (0.0045%); highest among the groups gnomAD compares: Middle Eastern, 0.033%; no homozygotes.

Submissions (6):

Blueprint Genetics
Classification: Uncertain significance. Last evaluated: 2024-09-15. Review status: criteria provided, single submitter. Criteria: ACMG Guidelines, 2015. Collection method: clinical testing. Allele origin: germline.

Ambry Genetics
Classification: Uncertain significance for Inborn genetic diseases. Last evaluated: 2023-06-01. Review status: criteria provided, single submitter. Criteria: Ambry Variant Classification Scheme 2023. Collection method: clinical testing. Allele origin: germline.

Labcorp Genetics (formerly Invitae), Labcorp
Classification: Uncertain significance. Last evaluated: 2022-08-09. Review status: criteria provided, single submitter. Criteria: Invitae Variant Classification Sherloc (09022015). Collection method: clinical testing. Allele origin: germline.
Comment: This sequence change replaces glutamine, which is neutral and polar, with arginine, which is basic and polar, at codon 192 of the PCDH15 protein (p.Gln192Arg). This variant is present in population databases (rs201496062, gnomAD 0.02%). This variant has not been reported in the literature in individuals affected with PCDH15-related conditions. ClinVar contains an entry for this variant (Variation ID: 300203). Algorithms developed to predict the effect of missense changes on protein structure and function are either unavailable or do not agree on the potential impact of this missense change (SIFT: "Deleterious"; PolyPhen-2: "Benign"; Align-GVGD: "Class C0"). In summary, the available evidence is currently insufficient to determine the role of this variant in disease. Therefore, it has been classified as a Variant of Uncertain Significance.

Laboratory for Molecular Medicine, Mass General Brigham Personalized Medicine
Classification: Uncertain significance. Last evaluated: 2018-08-21. Review status: criteria provided, single submitter. Criteria: LMM Criteria. Collection method: clinical testing. Allele origin: germline. Observed: 1 variant allele.
Comment: The p.Gln192Arg variant in PCDH15 has not been previously reported in individual s with hearing loss or Usher syndrome but has been identified in 0.01% (4/25744) of Finnish chromosomes and 0.0079% (10/126568) of European chromosomes by the G enome Aggregation Database (gnomAD; dbSNP rs20 1496062). This variant has also been reported in ClinVar (Variation ID 300203). Computational prediction tools and conservation analysis suggest that the p.Gln1 92Arg variant may impact the protein, though this information is not predictive enough to determine pathogenicity. In summary, the clinical significance of the p.Gln192Arg variant is uncertain. ACMG/AMP Criteria applied: PP3.

Illumina Laboratory Services, Illumina
Classification: Uncertain significance for Usher syndrome type 1. Last evaluated: 2018-01-13. Review status: criteria provided, single submitter. Criteria: ICSL Variant Classification Criteria 13 December 2019. Collection method: clinical testing. Allele origin: germline.

Natera, Inc.
Classification: Uncertain significance for Usher syndrome type 1F. Last evaluated: 2019-11-11. Review status: no assertion criteria provided. Collection method: clinical testing. Allele origin: germline. Not counted in ClinVar's aggregate classification.

NM_001384140.1(PCDH15):c.575A>G (p.Gln192Arg)

Gene: PCDH15 (protocadherin related 15; minus strand). Cytogenetic location: 10q21.1.
Variant type: single nucleotide variant.
Coding change: c.575A>G on transcript NM_001384140.1 (MANE Select); coding-DNA position 575, A replaced by G.
Protein change: p.Gln192Arg; replaces glutamine 192 with arginine.
Molecular consequence: missense variant.
Genome position (GRCh38, 1-based): chr10:54,346,384, T>C on the plus strand (A>G on the coding strand, the complement: PCDH15 is on the minus strand). VCF-style: chr10-54346384-T-C. GRCh37 (hg19) VCF-style: chr10-56106144-T-C.
Other names: c.590A>G, p.Gln197Arg (NM_001142763.2, NM_001142769.4, NM_001142771.2); c.575A>G, p.Gln192Arg (NM_001142764.2, NM_001142765.2, NM_001142766.2 and 8 more transcripts); c.509A>G, p.Gln170Arg (NM_001142768.2, NM_001142773.2, NM_001354404.2); short protein forms Q192R, Q197R, Q170R.
Identifiers: ClinVar variation 300203 (VCV000300203.16), dbSNP rs201496062, ClinGen allele CA5506660.
Genomic context (GRCh38, chr10:54,346,384, plus strand): 5'-TCCTTTTAAGAAAATTACATTGCAAATAGGTATTTACATACCGGATCATCTGGATTATAC[T>C]GAATAACATACTCTATCTGTCCATTTGGTCCATCATCTATATCTGTAGCTCCATTGTCTC-3'
Protein context (NP_001371069.1, residues 182-202): GPNGQIEYVI[Gln192Arg]YNPDDPTSND